The following is an entry in ClinVar:

ClinVar aggregate classification (germline): Likely benign. Review status: criteria provided, multiple submitters, no conflicts (2 of 4 stars). 3 submissions from 3 submitters: Likely benign (2). 1 of the submissions does not count toward it. Last evaluated 2022-06-03.

Conditions:
DSTYK-related disorder. Also called: DSTYK-related condition.

Allele frequency attached by ClinVar (database versions not stated): gnomAD 0.00003; gnomAD exomes 0.00003 and 0.00007; TOPMed 0.00003.
gnomAD v4.1: 109 of 1,612,824 alleles (0.0068%); highest among the groups gnomAD compares: Non-Finnish European, 0.0089%; no homozygotes.

Submissions (3):

Labcorp Genetics (formerly Invitae), Labcorp
Classification: Likely benign. Last evaluated: 2022-06-03. Review status: criteria provided, single submitter. Criteria: Invitae Variant Classification Sherloc (09022015). Collection method: clinical testing. Allele origin: germline.

GeneDx
Classification: Likely benign. Last evaluated: 2018-02-26. Review status: criteria provided, single submitter. Criteria: GeneDx Variant Classification (06012015). Collection method: clinical testing. Allele origin: germline. Affected: yes.
Comment: This variant is considered likely benign or benign based on one or more of the following criteria: it is a conservative change, it occurs at a poorly conserved position in the protein, it is predicted to be benign by multiple in silico algorithms, and/or has population frequency not consistent with disease.

PreventionGenetics, part of Exact Sciences
Classification: Likely benign for DSTYK-related condition. Last evaluated: 2023-04-26. Review status: no assertion criteria provided. Collection method: clinical testing. Allele origin: germline. Not counted in ClinVar's aggregate classification.
Comment: This variant is classified as likely benign based on ACMG/AMP sequence variant interpretation guidelines (Richards et al. 2015 PMID: 25741868, with internal and published modifications).

NM_015375.3(DSTYK):c.2106-7C>T

Gene: DSTYK (dual serine/threonine and tyrosine protein kinase; minus strand). Cytogenetic location: 1q32.1.
Variant type: single nucleotide variant.
Coding change: c.2106-7C>T on transcript NM_015375.3 (MANE Select); 7 bases into the intron before coding-DNA position 2106, C replaced by T.
Molecular consequence: intron variant.
Genome position (GRCh38, 1-based): chr1:205,159,686, G>A on the plus strand (C>T on the coding strand, the complement: DSTYK is on the minus strand). VCF-style: chr1-205159686-G-A. GRCh37 (hg19) VCF-style: chr1-205128814-G-A.
Other names: c.2106-7C>T (NM_199462.3).
Identifiers: ClinVar variation 515728 (VCV000515728.7), dbSNP rs919938431, ClinGen allele CA36425058.